The following is an entry in ClinVar:

NM_001267550.2(TTN):c.21785del (p.Thr7262fs)

Gene: TTN (titin; minus strand). Cytogenetic location: 2q31.2.
Variant type: Deletion.
Coding change: c.21785del on transcript NM_001267550.2 (MANE Select); coding-DNA position 21785, one base deleted (C; older notation c.21785delC).
Protein change: p.Thr7262fs; shifts the reading frame from threonine 7262.
Molecular consequence: frameshift variant. On other transcripts: intron variant (3).
Genome position (GRCh38, 1-based): chr2:178,723,222, G deleted on the plus strand (C on the coding strand, the reverse complement: TTN is on the minus strand). VCF-style (leftmost placement, unchanged base first): chr2-178723221-AG-A. GRCh37 (hg19) VCF-style: chr2-179587948-AG-A.
Other names: c.20834del, p.Thr6945fs (NM_001256850.1); c.18053del, p.Thr6018fs (NM_133378.4); c.13282+14860del (NM_003319.4); c.13858+14860del (NM_133437.4); c.13657+14860del (NM_133432.3); short protein forms T6018fs, T6945fs, T7262fs.
Identifiers: ClinVar variation 3751522 (VCV003751522.2).

ClinVar aggregate classification (germline): Likely pathogenic (1 of 4 stars; one submission).

Conditions:
Autosomal recessive limb-girdle muscular dystrophy type 2J (LGMDR10). Also called: Limb-girdle muscular dystrophy, type 2J; MUSCULAR DYSTROPHY, LIMB-GIRDLE, AUTOSOMAL RECESSIVE 10. Identifiers: Orphanet 140922, MedGen C1837342, MONDO:0012127, OMIM 608807.
Dilated cardiomyopathy 1G (CMD1G). Identifiers: Orphanet 154, MedGen C1858763, MONDO:0011400, OMIM 604145.

Submission:

Labcorp Genetics (formerly Invitae), Labcorp
Classification: Likely pathogenic for Dilated cardiomyopathy 1G; Autosomal recessive limb-girdle muscular dystrophy type 2J. Last evaluated: 2025-04-27. Review status: criteria provided, single submitter. Criteria: Invitae Variant Classification Sherloc (09022015). Collection method: clinical testing. Allele origin: germline.
Comment: This sequence change creates a premature translational stop signal (p.Thr7262Ilefs*9) in the TTN gene. While this is not anticipated to result in nonsense mediated decay, it is expected to create a truncated TTN protein. This variant is not present in population databases (gnomAD no frequency). This variant has not been reported in the literature in individuals affected with TTN-related conditions. ClinVar contains an entry for this variant (Variation ID: 3751522). Algorithms developed to predict the effect of sequence changes on RNA splicing suggest that this variant may disrupt the consensus splice site. This variant is located in the I band of TTN (PMID: 25589632). Truncating variants in this region have been reported in individuals affected with autosomal recessive centronuclear myopathy (PMID: 23975875, internal data). Truncating variants in this region have also been identified in individuals affected with autosomal dominant dilated cardiomyopathy and/or cardio-related conditions (PMID: 27869827, 32964742, internal data). In summary, the currently available evidence indicates that the variant is pathogenic, but additional data are needed to prove that conclusively. Therefore, this variant has been classified as Likely Pathogenic.

Literature cited by the submitters: PubMed 25589632; PubMed 23975875; PubMed 27869827; PubMed 32964742.